The following is an entry in ClinVar:

NM_006946.4(SPTBN2):c.1719C>T (p.His573=)

Gene: SPTBN2 (spectrin beta, non-erythrocytic 2; minus strand). Cytogenetic location: 11q13.2.
Variant type: single nucleotide variant.
Coding change: c.1719C>T on transcript NM_006946.4 (MANE Select); coding-DNA position 1719, C replaced by T.
Protein change: p.His573=; no amino-acid change (histidine 573 retained).
Molecular consequence: synonymous variant.
Genome position (GRCh38, 1-based): chr11:66,705,772, G>A on the plus strand (C>T on the coding strand, the complement: SPTBN2 is on the minus strand). VCF-style: chr11-66705772-G-A. GRCh37 (hg19) VCF-style: chr11-66473243-G-A.
Identifiers: ClinVar variation 194240 (VCV000194240.25), dbSNP rs148207416, ClinGen allele CA240109.

ClinVar aggregate classification (germline): Conflicting classifications of pathogenicity. Review status: criteria provided, conflicting classifications (1 of 4 stars). 5 submissions from 5 submitters: Uncertain significance (1); Benign (2); Likely benign (2). Last evaluated 2026-05-01.

Allele frequency attached by ClinVar (database versions not stated): gnomAD 0.00036 and 0.00039; gnomAD exomes 0.00036; TOPMed 0.00037; ExAC 0.00041; ESP Exome Variant Server 0.00046.
gnomAD v4.1: 665 of 1,612,492 alleles (0.041%); highest among the groups gnomAD compares: Middle Eastern, 2.2%; 9 homozygotes.

Submissions (5):

CeGaT Center for Human Genetics Tuebingen
Classification: Likely benign. Last evaluated: 2026-05-01. Review status: criteria provided, single submitter. Criteria: CeGaT Center For Human Genetics Tuebingen Variant Classification Criteria Version 2. Collection method: clinical testing. Allele origin: germline. Affected: yes. Observed: 2 variant alleles.
Comment: SPTBN2: BP4, BP7

Athena Diagnostics
Classification: Benign. Last evaluated: 2025-06-25. Review status: criteria provided, single submitter. Criteria: Athena Diagnostics Criteria. Collection method: clinical testing. Allele origin: unknown.
Comment: The frequency of this variant in the general population is higher than would generally be expected for pathogenic variants in this gene. Computational tools yielded predictions that this variant is unlikely to have an effect on normal RNA splicing. This nucleotide position exhibits low evolutionary conservation.

Blueprint Genetics
Classification: Likely benign. Last evaluated: 2024-11-13. Review status: criteria provided, single submitter. Criteria: ACMG Guidelines, 2015. Collection method: clinical testing. Allele origin: germline.

Labcorp Genetics (formerly Invitae), Labcorp
Classification: Benign. Last evaluated: 2024-10-24. Review status: criteria provided, single submitter. Criteria: Invitae Variant Classification Sherloc (09022015). Collection method: clinical testing. Allele origin: germline.

Eurofins Ntd Llc (ga)
Classification: Uncertain significance. Last evaluated: 2015-02-16. Review status: criteria provided, single submitter. Criteria: EGL Classification Definitions 2015. Collection method: clinical testing. Allele origin: germline. Observed: 3 variant alleles, 2 heterozygotes, 1 homozygote.